The following is an entry in ClinVar:

NM_000059.4(BRCA2):c.1129dup (p.Glu377fs)

Gene: BRCA2 (BRCA2 DNA repair associated; plus strand). Cytogenetic location: 13q13.1.
Variant type: Duplication.
Coding change: c.1129dup on transcript NM_000059.4 (MANE Select); coding-DNA position 1129, one base duplicated (G; older notation c.1129dupG).
Protein change: p.Glu377fs; shifts the reading frame from glutamic acid 377.
Molecular consequence: frameshift variant.
Genome position (GRCh38, 1-based): chr13:32,332,607, G duplicated. VCF-style (leftmost placement, unchanged base first): chr13-32332606-T-TG. GRCh37 (hg19) VCF-style: chr13-32906743-T-TG.
Other names: short protein forms E377fs.
Identifiers: ClinVar variation 1353062 (VCV001353062.6), dbSNP rs2137467908, ClinGen allele CA2573149339.

ClinVar aggregate classification (germline): Pathogenic (1 of 4 stars; one submission).

Conditions:
Hereditary breast ovarian cancer syndrome. Also called: BRCA1- and BRCA2-Associated Hereditary Breast and Ovarian Cancer; Hereditary breast and ovarian cancer; Hereditary breast and ovarian cancer syndrome; Hereditary breast and ovarian cancer syndrome (HBOC); Breast and ovarian cancer; Hereditary breast and/or ovarian cancer syndrome. Identifiers: Orphanet 145, MedGen C0677776, MeSH D061325, MONDO:0003582. Disease mechanism: loss of function.

Submission:

Labcorp Genetics (formerly Invitae), Labcorp
Classification: Pathogenic for Hereditary breast ovarian cancer syndrome. Last evaluated: 2021-01-09. Review status: criteria provided, single submitter. Criteria: Invitae Variant Classification Sherloc (09022015). Collection method: clinical testing. Allele origin: germline.
Comment: This sequence change creates a premature translational stop signal (p.Glu377Glyfs*5) in the BRCA2 gene. It is expected to result in an absent or disrupted protein product. Loss-of-function variants in BRCA2 are known to be pathogenic (PMID: 20104584). This variant is not present in population databases (ExAC no frequency). This variant has not been reported in the literature in individuals with BRCA2-related conditions. For these reasons, this variant has been classified as Pathogenic.

Literature cited by the submitters: PubMed 20104584.